The following is an entry in ClinVar:

NM_001111125.3(IQSEC2):c.681C>T (p.Thr227=)

Gene: IQSEC2 (IQ motif and Sec7 domain ArfGEF 2; minus strand). Cytogenetic location: Xp11.22.
Variant type: single nucleotide variant.
Coding change: c.681C>T on transcript NM_001111125.3 (MANE Select); coding-DNA position 681, C replaced by T.
Protein change: p.Thr227=; no amino-acid change (threonine 227 retained).
Molecular consequence: synonymous variant.
Genome position (GRCh38, 1-based): chrX:53,320,443, G>A on the plus strand (C>T on the coding strand, the complement: IQSEC2 is on the minus strand). VCF-style: chrX-53320443-G-A. GRCh37 (hg19) VCF-style: chrX-53349641-G-A.
Identifiers: ClinVar variation 1088270 (VCV001088270.8), dbSNP rs2146548006, ClinGen allele CA516546566.
Genomic context (GRCh38, chrX:53,320,443, plus strand): 5'-GGAAGAGCCGGGGGTACAAACACACATTCCTTACTTTCTCTGGAGGGTCGTGGCCGGGCT[G>A]GTGCTGGTACTGGTGCTGTGGCCTCCGCCGGCGCCGGGACTGGAGCTCCTGGATGCGCCA-3'
Protein context (NP_001104595.1, residues 217-237): AGGGHSTSTS[Thr227=]SPATTLQRKS

ClinVar aggregate classification (germline): Conflicting classifications of pathogenicity. Review status: criteria provided, conflicting classifications (1 of 4 stars). 2 submissions from 2 submitters: Uncertain significance (1); Likely benign (1). Last evaluated 2021-08-16.

Conditions:
Intellectual developmental disorder, X-linked 1. Also called: Atkin Flaitz Patil Smith syndrome; Intellectual disability, X-linked 1; MENTAL RETARDATION, X-LINKED 18; MENTAL RETARDATION, X-LINKED 78. Identifiers: Orphanet 777, MedGen C2931498, MONDO:0010656, OMIM 309530.

Allele frequency attached by ClinVar (database versions not stated): gnomAD exomes below 0.00001.
gnomAD v4.1: 1 of 1,166,509 alleles (0.000086%); highest among the groups gnomAD compares: Admixed American, 0.0026%; no homozygotes.

Submissions (2):

Greenwood Genetic Center Diagnostic Laboratories, Greenwood Genetic Center
Classification: Uncertain significance. Last evaluated: 2021-08-16. Review status: criteria provided, single submitter. Criteria: ACMG Guidelines, 2015. Collection method: clinical testing. Allele origin: germline. Affected: yes.
Comment: PM2

Labcorp Genetics (formerly Invitae), Labcorp
Classification: Likely benign for Intellectual developmental disorder, X-linked 1. Last evaluated: 2019-12-15. Review status: criteria provided, single submitter. Criteria: Invitae Variant Classification Sherloc (09022015). Collection method: clinical testing. Allele origin: germline.